The following is an entry in ClinVar:

ClinVar aggregate classification (germline): Uncertain significance. Review status: criteria provided, multiple submitters, no conflicts (2 of 4 stars). 5 submissions from 5 submitters: Uncertain significance (5). Last evaluated 2024-10-24.

Conditions:
Developmental and epileptic encephalopathy, 18 (DEE18). Also called: Early infantile epileptic encephalopathy 18. Identifiers: Orphanet 369894, MedGen C3809624, MONDO:0014201, OMIM 615476.
Inborn genetic diseases. Identifiers: MedGen C0950123, MeSH D030342.

Allele frequency attached by ClinVar (database versions not stated): gnomAD 0.00001 and 0.00002; TOPMed 0.00001; gnomAD exomes 0.00005; ExAC 0.00009.
gnomAD v4.1: 54 of 1,557,086 alleles (0.0035%); highest among the groups gnomAD compares: South Asian, 0.047%; no homozygotes.

Submissions (5):

Labcorp Genetics (formerly Invitae), Labcorp
Classification: Uncertain significance. Last evaluated: 2024-10-24. Review status: criteria provided, single submitter. Criteria: Invitae Variant Classification Sherloc (09022015). Collection method: clinical testing. Allele origin: germline.
Comment: This sequence change replaces arginine, which is basic and polar, with histidine, which is basic and polar, at codon 1705 of the SZT2 protein (p.Arg1705His). This variant is present in population databases (rs779573906, gnomAD 0.04%). This variant has not been reported in the literature in individuals affected with SZT2-related conditions. ClinVar contains an entry for this variant (Variation ID: 846705). Invitae Evidence Modeling of protein sequence and biophysical properties (such as structural, functional, and spatial information, amino acid conservation, physicochemical variation, residue mobility, and thermodynamic stability) indicates that this missense variant is expected to disrupt SZT2 protein function with a positive predictive value of 80%. In summary, the available evidence is currently insufficient to determine the role of this variant in disease. Therefore, it has been classified as a Variant of Uncertain Significance.

Ambry Genetics
Classification: Uncertain significance for Inborn genetic diseases. Last evaluated: 2024-05-09. Review status: criteria provided, single submitter. Criteria: Ambry Variant Classification Scheme 2023. Collection method: clinical testing. Allele origin: germline.

GeneDx
Classification: Uncertain significance. Last evaluated: 2024-05-09. Review status: criteria provided, single submitter. Criteria: GeneDx Variant Classification Process June 2021. Collection method: clinical testing. Allele origin: germline. Affected: yes.
Comment: In silico analysis indicates that this missense variant does not alter protein structure/function; Has not been previously published as pathogenic or benign to our knowledge

Genome-Nilou Lab
Classification: Uncertain significance for Developmental and epileptic encephalopathy, 18. Last evaluated: 2023-04-11. Review status: criteria provided, single submitter. Criteria: ACMG Guidelines, 2015. Collection method: clinical testing. Allele origin: germline. Affected: no.

Revvity Omics, Revvity
Classification: Uncertain significance for Developmental and epileptic encephalopathy, 18. Last evaluated: 2019-07-22. Review status: criteria provided, single submitter. Criteria: ACMG Guidelines, 2015. Collection method: clinical testing. Allele origin: germline.

NM_001365999.1(SZT2):c.5285G>A (p.Arg1762His)

Gene: SZT2 (SZT2 subunit of KICSTOR complex; plus strand). Cytogenetic location: 1p34.2.
Variant type: single nucleotide variant.
Coding change: c.5285G>A on transcript NM_001365999.1 (MANE Select); coding-DNA position 5285, G replaced by A.
Protein change: p.Arg1762His; replaces arginine 1762 with histidine.
Molecular consequence: missense variant.
Genome position (GRCh38, 1-based): chr1:43,432,282, G>A. VCF-style: chr1-43432282-G-A. GRCh37 (hg19) VCF-style: chr1-43897953-G-A.
Other names: c.5114G>A, p.Arg1705His (NM_015284.4); short protein forms R1705H, R1762H.
Identifiers: ClinVar variation 846705 (VCV000846705.15), dbSNP rs779573906, ClinGen allele CA809539.
Genomic context (GRCh38, chr1:43,432,282, plus strand): 5'-GTAGGGAGGACTGCCCTGCCTAAACTGTGATCTTGGCTCCTGCTCTCTAGGAGTTCCGCC[G>A]CCTCCATCTCCCTGGCCATGTTCTTCTTGAAGACCCTGACAGTGGCTTCTTCTTTGTGGC-3'
Protein context (NP_001352928.1, residues 1752-1772): SLTQFKEEFR[Arg1762His]LHLPGHVLLE